The following is an entry in ClinVar:

NM_015295.3(SMCHD1):c.5362A>G (p.Lys1788Glu)

Gene: SMCHD1 (structural maintenance of chromosomes flexible hinge domain containing 1; plus strand). Cytogenetic location: 18p11.32.
Variant type: single nucleotide variant.
Coding change: c.5362A>G on transcript NM_015295.3 (MANE Select); coding-DNA position 5362, A replaced by G.
Protein change: p.Lys1788Glu; replaces lysine 1788 with glutamic acid.
Molecular consequence: missense variant.
Genome position (GRCh38, 1-based): chr18:2,775,920, A>G. VCF-style: chr18-2775920-A-G. GRCh37 (hg19) VCF-style: chr18-2775918-A-G.
Other names: short protein forms K1788E.
Identifiers: ClinVar variation 3665469 (VCV003665469.2).

ClinVar aggregate classification (germline): Uncertain significance (1 of 4 stars; one submission).

Conditions:
Facioscapulohumeral muscular dystrophy 2 (FSHD2). Also called: MUSCULAR DYSTROPHY, FACIOSCAPULOHUMERAL, TYPE 1B; FACIOSCAPULOHUMERAL MUSCULAR DYSTROPHY 2, DIGENIC; FSHD2, DIGENIC. Identifiers: Orphanet 269, MedGen C1834671, MONDO:0008031, OMIM 158901.

Submission:

Labcorp Genetics (formerly Invitae), Labcorp
Classification: Uncertain significance for Facioscapulohumeral muscular dystrophy 2. Last evaluated: 2024-09-15. Review status: criteria provided, single submitter. Criteria: Invitae Variant Classification Sherloc (09022015). Collection method: clinical testing. Allele origin: germline.
Comment: This sequence change replaces lysine, which is basic and polar, with glutamic acid, which is acidic and polar, at codon 1788 of the SMCHD1 protein (p.Lys1788Glu). This variant is not present in population databases (gnomAD no frequency). This variant has not been reported in the literature in individuals affected with SMCHD1-related conditions. Invitae Evidence Modeling of protein sequence and biophysical properties (such as structural, functional, and spatial information, amino acid conservation, physicochemical variation, residue mobility, and thermodynamic stability) indicates that this missense variant is not expected to disrupt SMCHD1 protein function with a negative predictive value of 80%. In summary, the available evidence is currently insufficient to determine the role of this variant in disease. Therefore, it has been classified as a Variant of Uncertain Significance.